The following is an entry in ClinVar:

ClinVar aggregate classification (germline): Likely pathogenic (1 of 4 stars; one submission).

Conditions:
Gastrointestinal defects and immunodeficiency syndrome 1 (GIDID1). Also called: Combined immunodeficiency-enteropathy spectrum. Identifiers: Orphanet 436252, MedGen C5968858, MONDO:0800030, OMIM 243150.

Submission:

Juno Genomics, Hangzhou Juno Genomics, Inc
Classification: Likely pathogenic for Gastrointestinal defects and immunodeficiency syndrome 1. Review status: criteria provided, single submitter. Criteria: ACMG Guidelines, 2015. Collection method: clinical testing. Allele origin: germline.
Comment: Null variant in a gene where loss of function (LOF) is a known mechanism of disease.;Absent from controls (or at extremely low frequency if recessive) in Genome Aggregation Database.

NM_020458.4(TTC7A):c.2224_2228del (p.Pro742fs)

Gene: TTC7A (tetratricopeptide repeat domain 7A; plus strand). Cytogenetic location: 2p21.
Variant type: Deletion.
Coding change: c.2224_2228del on transcript NM_020458.4 (MANE Select); coding-DNA positions 2224 to 2228, 5 bases deleted (CCCAC; older notation c.2224_2228delCCCAC).
Protein change: p.Pro742fs; shifts the reading frame from proline 742.
Molecular consequence: frameshift variant.
Genome position (GRCh38, 1-based): chr2:47,060,840-47,060,844, CCCAC deleted; deleting any 5 consecutive bases within chr2:47,060,839-47,060,844 gives the same sequence; the c. name uses the placement nearest the transcript's 3' end. VCF-style (leftmost placement, unchanged base first): chr2-47060838-TCCCCA-T. GRCh37 (hg19) VCF-style: chr2-47287977-TCCCCA-T.
Other names: c.2296_2300del, p.Pro766fs (NM_001288951.2); c.2122_2126del, p.Pro708fs (NM_001288953.2); c.1162_1166del, p.Pro388fs (NM_001288955.2); short protein forms P708fs, P742fs, P766fs, P388fs.
Identifiers: ClinVar variation 5006300 (VCV005006300.2).